The following is an entry in ClinVar:

NM_000642.3(AGL):c.1637T>A (p.Leu546Ter)

Gene: AGL (amylo-alpha-1,6-glucosidase and 4-alpha-glucanotransferase; plus strand). Cytogenetic location: 1p21.2.
Variant type: single nucleotide variant.
Coding change: c.1637T>A on transcript NM_000642.3 (MANE Select); coding-DNA position 1637, T replaced by A.
Protein change: p.Leu546Ter; replaces leucine 546 with a stop codon.
Molecular consequence: nonsense.
Genome position (GRCh38, 1-based): chr1:99,879,948, T>A. VCF-style: chr1-99879948-T-A. GRCh37 (hg19) VCF-style: chr1-100345504-T-A.
Other names: c.1637T>A, p.Leu546Ter (NM_000028.3, NM_000643.3, NM_000644.3 and 2 more transcripts); c.1637T>A (NM_000642.2); c.1589T>A, p.Leu530Ter (NM_000646.3); c.1436T>A, p.Leu479Ter (NM_001425327.1); c.1433T>A, p.Leu478Ter (NM_001425328.1, NM_001425329.1); c.1259T>A, p.Leu420Ter (NM_001425332.1); short protein forms L420*, L478*, L479*, L530*, L546*.
Identifiers: ClinVar variation 2681124 (VCV002681124.3), dbSNP rs2524635932, ClinGen allele CA341315464.

ClinVar aggregate classification (germline): Pathogenic/Likely pathogenic. Review status: criteria provided, multiple submitters, no conflicts (2 of 4 stars). 2 submissions from 2 submitters: Pathogenic (1); Likely pathogenic (1). Last evaluated 2024-07-16.

Conditions:
Glycogen storage disease type III (GSD3). Also called: Cori disease; FORBES DISEASE. Identifiers: Orphanet 366, MedGen C0017922, MONDO:0009291, OMIM 232400.

Submissions (2):

Labcorp Genetics (formerly Invitae), Labcorp
Classification: Pathogenic for Glycogen storage disease type III. Last evaluated: 2024-07-16. Review status: criteria provided, single submitter. Criteria: Invitae Variant Classification Sherloc (09022015). Collection method: clinical testing. Allele origin: germline.
Comment: This sequence change creates a premature translational stop signal (p.Leu546*) in the AGL gene. It is expected to result in an absent or disrupted protein product. Loss-of-function variants in AGL are known to be pathogenic (PMID: 19299494). This variant is not present in population databases (gnomAD no frequency). This variant has not been reported in the literature in individuals affected with AGL-related conditions. Algorithms developed to predict the effect of sequence changes on RNA splicing suggest that this variant may disrupt the consensus splice site. For these reasons, this variant has been classified as Pathogenic.

Baylor Genetics
Classification: Likely pathogenic for Glycogen storage disease type III. Last evaluated: 2023-04-21. Review status: criteria provided, single submitter. Criteria: ACMG Guidelines, 2015. Collection method: clinical testing. Allele origin: unknown.

Literature cited by the submitters: PubMed 19299494 (cited by Labcorp Genetics (formerly Invitae), Labcorp).